The following is an entry in ClinVar:

ClinVar aggregate classification (germline): Uncertain significance (1 of 4 stars; one submission).

Allele frequency attached by ClinVar (database versions not stated): gnomAD exomes below 0.00001 and 0.00001; gnomAD 0.00003 and 0.00004; TOPMed 0.00006.
gnomAD v4.1: 11 of 1,613,846 alleles (0.00068%); highest among the groups gnomAD compares: Admixed American, 0.012%; no homozygotes.

Submission:

Labcorp Genetics (formerly Invitae), Labcorp
Classification: Uncertain significance. Last evaluated: 2021-08-28. Review status: criteria provided, single submitter. Criteria: Invitae Variant Classification Sherloc (09022015). Collection method: clinical testing. Allele origin: germline.
Comment: Variants that disrupt the consensus splice site are a relatively common cause of aberrant splicing (PMID: 17576681, 9536098). Algorithms developed to predict the effect of sequence changes on RNA splicing suggest that this variant may disrupt the consensus splice site. In summary, the available evidence is currently insufficient to determine the role of this variant in disease. Therefore, it has been classified as a Variant of Uncertain Significance. This variant has not been reported in the literature in individuals affected with TUBGCP4-related conditions. This variant is not present in population databases (ExAC no frequency). This sequence change falls in intron 17 of the TUBGCP4 gene. It does not directly change the encoded amino acid sequence of the TUBGCP4 protein. It affects a nucleotide within the consensus splice site of the intron.

Literature cited by the submitters: PubMed 17576681; PubMed 9536098.

NM_014444.5(TUBGCP4):c.1988+5G>A

Genes: TP53BP1 (tumor protein p53 binding protein 1; minus strand), TUBGCP4 (tubulin gamma complex component 4; plus strand). Cytogenetic location: 15q15.3.
Variant type: single nucleotide variant.
Coding change: c.1988+5G>A on transcript NM_014444.5 (MANE Select); 5 bases into the intron after coding-DNA position 1988, G replaced by A.
Molecular consequence: intron variant. On other transcripts: 3 prime UTR variant (5).
Genome position (GRCh38, 1-based): chr15:43,404,557, G>A. VCF-style: chr15-43404557-G-A. GRCh37 (hg19) VCF-style: chr15-43696755-G-A.
Other names: c.*2826C>T (NM_001141979.3, NM_001141980.3, NM_001355001.2 and 2 more transcripts); c.1991+5G>A (NM_001286414.3).
Identifiers: ClinVar variation 1461201 (VCV001461201.4), dbSNP rs1022407595, ClinGen allele CA270001879.